The following is an entry in ClinVar:

NM_001127198.5(TMC6):c.1292C>T (p.Ala431Val)

Gene: TMC6 (transmembrane channel like 6; minus strand). Cytogenetic location: 17q25.3.
Variant type: single nucleotide variant.
Coding change: c.1292C>T on transcript NM_001127198.5 (MANE Select); coding-DNA position 1292, C replaced by T.
Protein change: p.Ala431Val; replaces alanine 431 with valine.
Molecular consequence: missense variant. On other transcripts: non-coding transcript variant (4).
Genome position (GRCh38, 1-based): chr17:78,121,647, G>A on the plus strand (C>T on the coding strand, the complement: TMC6 is on the minus strand). VCF-style: chr17-78121647-G-A. GRCh37 (hg19) VCF-style: chr17-76117728-G-A.
Other names: c.1292C>T (NM_007267.6); c.1292C>T, p.Ala431Val (NM_001321185.1, NM_001374593.1, NM_001374594.1 and 4 more transcripts); short protein forms A431V.
Identifiers: ClinVar variation 572298 (VCV000572298.9), dbSNP rs200760468, ClinGen allele CA8795791.
Genomic context (GRCh38, chr17:78,121,647, plus strand): 5'-GCCACGGCGCAGCCCAGCGCGGTCCCCAGACACAGCAGCCACACAAGCCCCAGCACAGCC[G>A]CCTGCCGCAGCCTCCCGCACACGCTCCTGGGGCTGTGCCGCAGCTGCCACTCGGCCAGCA-3'
Protein context (NP_001120670.1, residues 421-441): PRSVCGRLRQ[Ala431Val]AVLGLVWLLC

ClinVar aggregate classification (germline): Conflicting classifications of pathogenicity. Review status: criteria provided, conflicting classifications (1 of 4 stars). 2 submissions from 2 submitters: Uncertain significance (1); Likely benign (1). Last evaluated 2026-01-02.

Conditions:
Inborn genetic diseases. Identifiers: MedGen C0950123, MeSH D030342.
Epidermodysplasia verruciformis. Identifiers: Orphanet 302, MedGen C0014522, MONDO:0009176.

Allele frequency attached by ClinVar (database versions not stated): TOPMed 0.00006; gnomAD 0.00007 and 0.00008; gnomAD exomes 0.00010.
gnomAD v4.1: 125 of 1,599,728 alleles (0.0078%); highest among the groups gnomAD compares: Non-Finnish European, 0.01%; no homozygotes.

Submissions (2):

Labcorp Genetics (formerly Invitae), Labcorp
Classification: Uncertain significance for Epidermodysplasia verruciformis. Last evaluated: 2026-01-02. Review status: criteria provided, single submitter. Criteria: Invitae Variant Classification Sherloc (09022015). Collection method: clinical testing. Allele origin: germline.
Comment: This sequence change replaces alanine, which is neutral and non-polar, with valine, which is neutral and non-polar, at codon 431 of the TMC6 protein (p.Ala431Val). This variant is present in population databases (rs200760468, gnomAD 0.02%). This variant has not been reported in the literature in individuals affected with TMC6-related conditions. ClinVar contains an entry for this variant (Variation ID: 572298). An algorithm developed to predict the effect of missense changes on protein structure and function outputs the following: PolyPhen-2: "Benign". The valine amino acid residue is found in multiple mammalian species, which suggests that this missense change does not adversely affect protein function. In summary, the available evidence is currently insufficient to determine the role of this variant in disease. Therefore, it has been classified as a Variant of Uncertain Significance.

Ambry Genetics
Classification: Likely benign for Inborn genetic diseases. Last evaluated: 2021-11-23. Review status: criteria provided, single submitter. Criteria: Ambry Variant Classification Scheme 2023. Collection method: clinical testing. Allele origin: germline.